The following is an entry in ClinVar:

NM_001105206.3(LAMA4):c.854G>A (p.Arg285Gln)

Gene: LAMA4 (laminin subunit alpha 4; minus strand). Cytogenetic location: 6q21.
Variant type: single nucleotide variant.
Coding change: c.854G>A on transcript NM_001105206.3 (MANE Select); coding-DNA position 854, G replaced by A.
Protein change: p.Arg285Gln; replaces arginine 285 with glutamine.
Molecular consequence: missense variant.
Genome position (GRCh38, 1-based): chr6:112,187,562, C>T on the plus strand (G>A on the coding strand, the complement: LAMA4 is on the minus strand). VCF-style: chr6-112187562-C-T. GRCh37 (hg19) VCF-style: chr6-112508764-C-T.
Other names: c.833G>A, p.Arg278Gln (NM_001105207.3, NM_002290.5); short protein forms R278Q, R285Q.
Identifiers: ClinVar variation 1762990 (VCV001762990.2), dbSNP rs1175274886, ClinGen allele CA365376227.

ClinVar aggregate classification (germline): Uncertain significance (1 of 4 stars; one submission).

Conditions:
Cardiovascular phenotype. Identifiers: MedGen CN230736.

Allele frequency attached by ClinVar (database versions not stated): gnomAD 0.00001; TOPMed 0.00001.

Submission:

Ambry Genetics
Classification: Uncertain significance for Cardiovascular phenotype. Last evaluated: 2022-02-20. Review status: criteria provided, single submitter. Criteria: Ambry Variant Classification Scheme 2023. Collection method: clinical testing. Allele origin: germline.
Comment: The p.R278Q variant (also known as c.833G>A), located in coding exon 7 of the LAMA4 gene, results from a G to A substitution at nucleotide position 833. The arginine at codon 278 is replaced by glutamine, an amino acid with highly similar properties. This amino acid position is highly conserved in available vertebrate species. In addition, this alteration is predicted to be tolerated by in silico analysis. The evidence for this gene-disease relationship is limited; therefore, the clinical significance of this alteration is unclear.